The following is an entry in ClinVar:

ClinVar aggregate classification (germline): Uncertain significance (1 of 4 stars; one submission).

Conditions:
Supravalvar aortic stenosis (SVAS). Also called: Supravalvar aortic stenosis, Eisenberg type. Identifiers: Orphanet 3193, MedGen C0003499, MONDO:0008504, OMIM 185500, HP:0004381.

Submission:

Labcorp Genetics (formerly Invitae), Labcorp
Classification: Uncertain significance for Supravalvar aortic stenosis. Last evaluated: 2023-04-17. Review status: criteria provided, single submitter. Criteria: Invitae Variant Classification Sherloc (09022015). Collection method: clinical testing. Allele origin: germline.
Comment: In summary, the available evidence is currently insufficient to determine the role of this variant in disease. Therefore, it has been classified as a Variant of Uncertain Significance. Variants that disrupt the consensus splice site are a relatively common cause of aberrant splicing (PMID: 17576681, 9536098). Experimental studies and prediction algorithms are not available or were not evaluated, and the functional significance of this variant is currently unknown. This variant has not been reported in the literature in individuals affected with ELN-related conditions. This variant is not present in population databases (gnomAD no frequency). This sequence change replaces glycine, which is neutral and non-polar, with serine, which is neutral and polar, at codon 297 of the ELN protein (p.Gly297Ser). This variant also falls at the last nucleotide of exon 16, which is part of the consensus splice site for this exon.

Literature cited by the submitters: PubMed 17576681; PubMed 9536098.

NM_000501.4(ELN):c.889G>A (p.Gly297Ser)

Gene: ELN (elastin; plus strand). Cytogenetic location: 7q11.23.
Variant type: single nucleotide variant.
Coding change: c.889G>A on transcript NM_000501.4 (MANE Select); coding-DNA position 889, G replaced by A.
Protein change: p.Gly297Ser; replaces glycine 297 with serine.
Molecular consequence: missense variant.
Genome position (GRCh38, 1-based): chr7:74,051,839, G>A. VCF-style: chr7-74051839-G-A. GRCh37 (hg19) VCF-style: chr7-73466169-G-A.
Other names: c.859G>A, p.Gly287Ser (NM_001081752.3, NM_001278917.2); c.904G>A, p.Gly302Ser (NM_001081753.3, NM_001081754.3); c.889G>A, p.Gly297Ser (NM_001081755.3, NM_001278912.2, NM_001278915.2 and 1 more transcripts); c.781G>A, p.Gly261Ser (NM_001278913.2); c.874G>A, p.Gly292Ser (NM_001278914.2); c.847G>A, p.Gly283Ser (NM_001278916.2); c.757G>A, p.Gly253Ser (NM_001278918.2); short protein forms G292S, G302S, G297S, G253S, G261S, G283S, G287S.
Identifiers: ClinVar variation 2857161 (VCV002857161.3), dbSNP rs1794110364, ClinGen allele CA367871189.
Genomic context (GRCh38, chr7:74,051,839, plus strand): 5'-GTTGGAGGGGCTGGTGTTCCTGGCGTGCCTGGGGCAATTCCTGGAATTGGAGGCATCGCA[G>A]GTAACATCTGTCCCAGCAGGGGGCGGGTGTGTCCTTGAGATGGCCACAGGGCAAGGACCT-3'
Protein context (NP_000492.2, residues 287-307): GAIPGIGGIA[Gly297Ser]VGTPAAAAAA